The following is an entry in ClinVar:

NM_000784.4(CYP27A1):c.613A>G (p.Met205Val)

Gene: CYP27A1 (cytochrome P450 family 27 subfamily A member 1; plus strand). Cytogenetic location: 2q35.
Variant type: single nucleotide variant.
Coding change: c.613A>G on transcript NM_000784.4 (MANE Select); coding-DNA position 613, A replaced by G.
Protein change: p.Met205Val; replaces methionine 205 with valine.
Molecular consequence: missense variant.
Genome position (GRCh38, 1-based): chr2:218,812,388, A>G. VCF-style: chr2-218812388-A-G. GRCh37 (hg19) VCF-style: chr2-219677111-A-G.
Other names: c.613A>G (NM_000784.3); short protein forms M205V.
Identifiers: ClinVar variation 597585 (VCV000597585.15), dbSNP rs147321244, ClinGen allele CA2112667.

ClinVar aggregate classification (germline): Uncertain significance. Review status: criteria provided, multiple submitters, no conflicts (2 of 4 stars). 6 submissions from 6 submitters: Uncertain significance (5). 1 of the submissions does not count toward it. Last evaluated 2026-04-02.

Conditions:
Cholestanol storage disease (CTX). Also called: CEREBRAL CHOLESTERINOSIS; Cerebrotendinous Xanthomatosis; CTX: Cerebrotendinous xanthomatosis. Identifiers: Orphanet 909, MedGen C0238052, MONDO:0008948, OMIM 213700.
CYP27A1-related disorder. Also called: CYP27A1-related condition.
Cardiovascular phenotype. Identifiers: MedGen CN230736.

Allele frequency attached by ClinVar (database versions not stated): ESP Exome Variant Server 0.00015; gnomAD exomes 0.00004 and 0.00013; TOPMed 0.00004; ExAC 0.00005; gnomAD 0.00003 and 0.00004.

Submissions (6):

GeneDx
Classification: Uncertain significance. Last evaluated: 2026-04-02. Review status: criteria provided, single submitter. Criteria: GeneDx Variant Classification Process June 2021. Collection method: clinical testing. Allele origin: germline.
Comment: In silico analysis supports that this missense variant does not alter protein structure/function; Has not been previously published as pathogenic or benign to our knowledge; This variant is associated with the following publications: (PMID: 27397505)

Ambry Genetics
Classification: Uncertain significance for Cardiovascular phenotype. Last evaluated: 2025-07-31. Review status: criteria provided, single submitter. Criteria: Ambry Variant Classification Scheme 2023. Collection method: clinical testing. Allele origin: germline.

PreventionGenetics, part of Exact Sciences
Classification: Uncertain significance for CYP27A1-related condition. Last evaluated: 2025-06-24. Review status: criteria provided, single submitter. Criteria: ACMG Guidelines, 2015. Collection method: clinical testing. Allele origin: germline.
Comment: The CYP27A1 c.613A>G variant is predicted to result in the amino acid substitution p.Met205Val. To our knowledge, this variant has not been reported in the literature. This variant is reported in 0.012% of alleles in individuals of African descent in gnomAD. At this time, the clinical significance of this variant is uncertain due to the absence of conclusive functional and genetic evidence.

Labcorp Genetics (formerly Invitae), Labcorp
Classification: Uncertain significance for Cholestanol storage disease. Last evaluated: 2022-08-23. Review status: criteria provided, single submitter. Criteria: Invitae Variant Classification Sherloc (09022015). Collection method: clinical testing. Allele origin: germline.
Comment: This sequence change replaces methionine, which is neutral and non-polar, with valine, which is neutral and non-polar, at codon 205 of the CYP27A1 protein (p.Met205Val). This variant is present in population databases (rs147321244, gnomAD 0.01%). This variant has not been reported in the literature in individuals affected with CYP27A1-related conditions. ClinVar contains an entry for this variant (Variation ID: 597585). Advanced modeling of protein sequence and biophysical properties (such as structural, functional, and spatial information, amino acid conservation, physicochemical variation, residue mobility, and thermodynamic stability) performed at Invitae indicates that this missense variant is not expected to disrupt CYP27A1 protein function. In summary, the available evidence is currently insufficient to determine the role of this variant in disease. Therefore, it has been classified as a Variant of Uncertain Significance.

Eurofins Ntd Llc (ga)
Classification: Uncertain significance. Last evaluated: 2018-06-12. Review status: criteria provided, single submitter. Criteria: EGL ClinVar v180209 classification definitions. Collection method: clinical testing. Allele origin: germline. Observed: 1 variant allele, 1 heterozygote.

Natera, Inc.
Classification: Uncertain significance for Cerebrotendinous xanthomatosis. Last evaluated: 2019-11-11. Review status: no assertion criteria provided. Collection method: clinical testing. Allele origin: germline. Not counted in ClinVar's aggregate classification.